The following is an entry in ClinVar:

ClinVar aggregate classification (germline): Conflicting classifications of pathogenicity. Review status: criteria provided, conflicting classifications (1 of 4 stars). 10 submissions from 9 submitters: Uncertain significance (4); Likely benign (5). 1 of the submissions does not count toward it. Last evaluated 2026-06-30.

Conditions:
Microphthalmia with brain and digit anomalies (MCOPS6). Also called: MICROPHTHALMIA AND PITUITARY ANOMALIES; Microphthalmia, syndromic 6. Identifiers: Orphanet 139471, MedGen C1864689, MONDO:0011936, OMIM 607932.
Orofacial cleft 11 (OFC11). Also called: Orofacial cleft 11; ofc11; CLEFT LIP WITH OR WITHOUT CLEFT PALATE, NONSYNDROMIC, 11. Identifiers: MedGen C2677434, MONDO:0010906, OMIM 600625.
BMP4-related disorder. Also called: BMP4-related condition.
Inborn genetic diseases. Identifiers: MedGen C0950123, MeSH D030342.

Allele frequency attached by ClinVar (database versions not stated): gnomAD 0.00025; TOPMed 0.00047; ESP Exome Variant Server 0.00085.

Submissions (10):

PreventionGenetics, part of Exact Sciences
Classification: Likely benign for BMP4-related condition. Last evaluated: 2026-06-30. Review status: criteria provided, single submitter. Criteria: ACMG Guidelines, 2015. Collection method: clinical testing. Allele origin: germline.
Comment: This variant is classified as likely benign based on ACMG/AMP sequence variant interpretation guidelines (Richards et al. 2015 PMID: 25741868, with internal and published modifications).

Labcorp Genetics (formerly Invitae), Labcorp
Classification: Uncertain significance for Microphthalmia with brain and digit anomalies; Orofacial cleft 11. Last evaluated: 2026-01-24. Review status: criteria provided, single submitter. Criteria: Invitae Variant Classification Sherloc (09022015). Collection method: clinical testing. Allele origin: germline.
Comment: This sequence change replaces arginine, which is basic and polar, with tryptophan, which is neutral and slightly polar, at codon 226 of the BMP4 protein (p.Arg226Trp). This variant is present in population databases (rs140590144, gnomAD 0.06%), and has an allele count higher than expected for a pathogenic variant. This variant has not been reported in the literature in individuals affected with BMP4-related conditions. ClinVar contains an entry for this variant (Variation ID: 497489). Invitae Evidence Modeling of protein sequence and biophysical properties (such as structural, functional, and spatial information, amino acid conservation, physicochemical variation, residue mobility, and thermodynamic stability) indicates that this missense variant is not expected to disrupt BMP4 protein function with a negative predictive value of 80%. In summary, the available evidence is currently insufficient to determine the role of this variant in disease. Therefore, it has been classified as a Variant of Uncertain Significance.

CeGaT Center for Human Genetics Tuebingen
Classification: Likely benign. Last evaluated: 2025-09-01. Review status: criteria provided, single submitter. Criteria: CeGaT Center For Human Genetics Tuebingen Variant Classification Criteria Version 2. Collection method: clinical testing. Allele origin: germline. Affected: yes. Observed: 2 variant alleles.
Comment: BMP4: BP4

Ambry Genetics
Classification: Likely benign for Inborn genetic diseases. Last evaluated: 2025-04-04. Review status: criteria provided, single submitter. Criteria: Ambry Variant Classification Scheme 2023. Collection method: clinical testing. Allele origin: germline.

Blueprint Genetics
Classification: Likely benign. Last evaluated: 2024-09-11. Review status: criteria provided, single submitter. Criteria: ACMG Guidelines, 2015. Collection method: clinical testing. Allele origin: germline.

GeneDx
Classification: Uncertain significance. Last evaluated: 2020-07-14. Review status: criteria provided, single submitter. Criteria: GeneDx Variant Classification Process June 2021. Collection method: clinical testing. Allele origin: germline. Affected: yes.
Comment: In silico analysis supports that this missense variant has a deleterious effect on protein structure/function; This variant is associated with the following publications: (PMID: 12404109, 20949628)

Illumina Laboratory Services, Illumina
Classification: Uncertain significance for Orofacial cleft 11. Last evaluated: 2017-04-27. Review status: criteria provided, single submitter. Criteria: ICSL Variant Classification Criteria 13 December 2019. Collection method: clinical testing. Allele origin: germline.

Illumina Laboratory Services, Illumina
Classification: Likely benign for Microphthalmia with brain and digit anomalies. Last evaluated: 2017-04-27. Review status: criteria provided, single submitter. Criteria: ICSL Variant Classification Criteria 13 December 2019. Collection method: clinical testing. Allele origin: germline.
Comment: This variant was observed as part of a predisposition screen in an ostensibly healthy population. A literature search was performed for the gene, cDNA change, and amino acid change (where applicable). No publications were found based on this search. Allele frequency data from public databases allowed determination this variant is unlikely to cause disease. Therefore, this variant is classified as likely benign.

Eurofins Ntd Llc (ga)
Classification: Uncertain significance. Last evaluated: 2016-09-30. Review status: criteria provided, single submitter. Criteria: EGL Classification Definitions 2015. Collection method: clinical testing. Allele origin: germline. Observed: 1 variant allele, 1 heterozygote.

Cytogenetics- Mohapatra Lab, Banaras Hindu University
Classification: Pathogenic. Review status: no assertion criteria provided. Collection method: case-control. Allele origin: de novo. Affected: yes. Not counted in ClinVar's aggregate classification.

NM_001202.6(BMP4):c.676C>T (p.Arg226Trp)

Gene: BMP4 (bone morphogenetic protein 4; minus strand). Cytogenetic location: 14q22.2.
Variant type: single nucleotide variant.
Coding change: c.676C>T on transcript NM_001202.6 (MANE Select); coding-DNA position 676, C replaced by T.
Protein change: p.Arg226Trp; replaces arginine 226 with tryptophan.
Molecular consequence: missense variant.
Genome position (GRCh38, 1-based): chr14:53,950,583, G>A on the plus strand (C>T on the coding strand, the complement: BMP4 is on the minus strand). VCF-style: chr14-53950583-G-A. GRCh37 (hg19) VCF-style: chr14-54417301-G-A.
Other names: c.676C>T (NM_001202.5); c.817C>T, p.Arg273Trp (NM_001347912.1); c.487C>T, p.Arg163Trp (NM_001347913.2, NM_001347915.2, NM_001347917.1); c.676C>T, p.Arg226Trp (NM_001347914.2, NM_001347916.1, NM_130850.5 and 1 more transcripts); short protein forms R226W, R273W, R163W.
Identifiers: ClinVar variation 497489 (VCV000497489.42), dbSNP rs140590144, ClinGen allele CA7191691.